The following is an entry in ClinVar:

ClinVar aggregate classification (germline): Uncertain significance (1 of 4 stars; one submission).

Conditions:
Mucopolysaccharidosis, MPS-IV-A (MPS4A). Also called: Mucopolysaccharidosis type IV A; Mucopolysaccharidosis Type IVA; Morquio syndrome A, mild; MORQUIO SYNDROME A; MPS IVA; mucopolysaccharidosis type 4A. Identifiers: Orphanet 309297, Orphanet 582, MedGen C0086651, MONDO:0009659, OMIM 253000.

gnomAD v4.1: 1 of 1,612,990 alleles (0.000062%); highest among the groups gnomAD compares: Non-Finnish European, 0.000085%; no homozygotes.

Submission:

Laboratory of Diagnosis and Therapy of Lysosomal Disorders, University of Padova
Classification: Uncertain significance for Mucopolysaccharidosis, MPS-IV-A. Last evaluated: 2021-02-01. Review status: criteria provided, single submitter. Criteria: ACMG Guidelines, 2015. Collection method: curation. Allele origin: germline. Affected: yes.
Comment: Absent from gnomAD v2.1.1 (PM2_moderate); multiple lines of computational evidence support a deleterious effect on the gene (PP3_supporting)

Literature cited by the submitters: PubMed 25252036; PubMed 34387910.

NM_000512.5(GALNS):c.229C>T (p.Pro77Ser)

Gene: GALNS (galactosamine (N-acetyl)-6-sulfatase; minus strand). Cytogenetic location: 16q24.3.
Variant type: single nucleotide variant.
Coding change: c.229C>T on transcript NM_000512.5 (MANE Select); coding-DNA position 229, C replaced by T.
Protein change: p.Pro77Ser; replaces proline 77 with serine.
Molecular consequence: missense variant. On other transcripts: intron variant (1).
Genome position (GRCh38, 1-based): chr16:88,842,721, G>A on the plus strand (C>T on the coding strand, the complement: GALNS is on the minus strand). VCF-style: chr16-88842721-G-A. GRCh37 (hg19) VCF-style: chr16-88909129-G-A.
Other names: c.247C>T, p.Pro83Ser (NM_001323544.2); c.-311-750C>T (NM_001323543.2); short protein forms P77S, P83S.
Identifiers: ClinVar variation 1048386 (VCV001048386.3), dbSNP rs201278722, ClinGen allele CA397091235.